The following is an entry in ClinVar:

ClinVar aggregate classification (germline): Uncertain significance. Review status: criteria provided, multiple submitters, no conflicts (2 of 4 stars). 2 submissions from 2 submitters: Uncertain significance (2). Last evaluated 2025-06-24.

Conditions:
Inborn genetic diseases. Identifiers: MedGen C0950123, MeSH D030342.

Allele frequency attached by ClinVar (database versions not stated): gnomAD 0.00002; TOPMed 0.00005; gnomAD exomes 0.00008 and 0.00009; ESP Exome Variant Server 0.00016.
gnomAD v4.1: 138 of 1,552,540 alleles (0.0089%); highest among the groups gnomAD compares: Non-Finnish European, 0.0098%; no homozygotes.

Submissions (2):

Ambry Genetics
Classification: Uncertain significance for Inborn genetic diseases. Last evaluated: 2025-06-24. Review status: criteria provided, single submitter. Criteria: Ambry Variant Classification Scheme 2023. Collection method: clinical testing. Allele origin: germline.

Labcorp Genetics (formerly Invitae), Labcorp
Classification: Uncertain significance. Last evaluated: 2022-08-16. Review status: criteria provided, single submitter. Criteria: Invitae Variant Classification Sherloc (09022015). Collection method: clinical testing. Allele origin: germline.
Comment: This sequence change replaces threonine, which is neutral and polar, with methionine, which is neutral and non-polar, at codon 1563 of the DOCK6 protein (p.Thr1563Met). This variant is present in population databases (rs200763307, gnomAD 0.02%). This variant has not been reported in the literature in individuals affected with DOCK6-related conditions. ClinVar contains an entry for this variant (Variation ID: 1362831). Algorithms developed to predict the effect of missense changes on protein structure and function are either unavailable or do not agree on the potential impact of this missense change (SIFT: "Deleterious"; PolyPhen-2: "Possibly Damaging"; Align-GVGD: "Class C0"). In summary, the available evidence is currently insufficient to determine the role of this variant in disease. Therefore, it has been classified as a Variant of Uncertain Significance.

NM_020812.4(DOCK6):c.4688C>T (p.Thr1563Met)

Genes: DOCK6 (dedicator of cytokinesis 6; minus strand), DOCK6-AS1 (DOCK6 antisense RNA 1; plus strand). Cytogenetic location: 19p13.2.
Variant type: single nucleotide variant.
Coding change: c.4688C>T on transcript NM_020812.4 (MANE Select); coding-DNA position 4688, C replaced by T.
Protein change: p.Thr1563Met; replaces threonine 1563 with methionine.
Molecular consequence: missense variant.
Genome position (GRCh38, 1-based): chr19:11,211,839, G>A on the plus strand (C>T on the coding strand, the complement: DOCK6 is on the minus strand). VCF-style: chr19-11211839-G-A. GRCh37 (hg19) VCF-style: chr19-11322515-G-A.
Other names: c.4688C>T (NM_020812.2); c.4793C>T, p.Thr1598Met (NM_001367830.1); short protein forms T1563M, T1598M.
Identifiers: ClinVar variation 1362831 (VCV001362831.7), dbSNP rs200763307, ClinGen allele CA9206760.